The following is an entry in ClinVar:

NM_001103.4(ACTN2):c.1348G>T (p.Asp450Tyr)

Gene: ACTN2 (actinin alpha 2; plus strand). Cytogenetic location: 1q43.
Variant type: single nucleotide variant.
Coding change: c.1348G>T on transcript NM_001103.4 (MANE Select); coding-DNA position 1348, G replaced by T.
Protein change: p.Asp450Tyr; replaces aspartic acid 450 with tyrosine.
Molecular consequence: missense variant.
Genome position (GRCh38, 1-based): chr1:236,744,718, G>T. VCF-style: chr1-236744718-G-T. GRCh37 (hg19) VCF-style: chr1-236908018-G-T.
Other names: p.D450Y:GAC>TAC; c.1348G>T, p.Asp450Tyr (NM_001278343.2); c.724G>T, p.Asp242Tyr (NM_001278344.2); short protein forms D450Y, D242Y.
Identifiers: ClinVar variation 201639 (VCV000201639.16), dbSNP rs774252565, ClinGen allele CA335027.

ClinVar aggregate classification (germline): Uncertain significance. Review status: criteria provided, multiple submitters, no conflicts (2 of 4 stars). 5 submissions from 5 submitters: Uncertain significance (5). Last evaluated 2026-07-20.

Conditions:
ACTN2-related disorder. Also called: ACTN2-related disorders; ACTN2 related condition.
Dilated cardiomyopathy 1AA (CMD1AA). Also called: CARDIOMYOPATHY, DILATED, 1AA, WITH OR WITHOUT LEFT VENTRICULAR NONCOMPACTION; CARDIOMYOPATHY, FAMILIAL HYPERTROPHIC, 23, WITH OR WITHOUT LEFT VENTRICULAR NONCOMPACTION; Cardiomyopathy, dilated, 1AA, with or without LVNC. Identifiers: Orphanet 154, MedGen C2677338, MONDO:0012808, OMIM 612158.
Myopathy, congenital, with structured cores and z-line abnormalities. Also called: MULTIPLE STRUCTURED CORE DISEASE; CONGENITAL MYOPATHY 8. Identifiers: MedGen C5231445, MONDO:0032852, OMIM 618654.
Myopathy, distal, 6, adult-onset, autosomal dominant. Identifiers: MedGen C5203349, MONDO:0032853, OMIM 618655.
Cardiovascular phenotype. Identifiers: MedGen CN230736.
Primary familial hypertrophic cardiomyopathy (HCM). Identifiers: Orphanet 99739, MedGen C0949658, MeSH D024741, MONDO:0024573. Inheritance: Various modes of inheritance.

Allele frequency attached by ClinVar (database versions not stated): TOPMed 0.00003.
gnomAD v4.1: 23 of 1,614,066 alleles (0.0014%); highest among the groups gnomAD compares: South Asian, 0.0022%; no homozygotes.

Submissions (5):

PreventionGenetics, part of Exact Sciences
Classification: Uncertain significance for ACTN2-related condition. Last evaluated: 2026-07-20. Review status: criteria provided, single submitter. Criteria: ACMG Guidelines, 2015. Collection method: clinical testing. Allele origin: germline.
Comment: The ACTN2 c.1348G>T variant is predicted to result in the amino acid substitution p.Asp450Tyr. To our knowledge, this variant has not been reported in the literature. This variant is reported in 0.0018% of alleles in individuals of European (Non-Finnish) descent in gnomAD. At this time, the clinical significance of this variant is uncertain due to the absence of conclusive functional and genetic evidence.

Labcorp Genetics (formerly Invitae), Labcorp
Classification: Uncertain significance for Primary familial hypertrophic cardiomyopathy; Dilated cardiomyopathy 1AA. Last evaluated: 2025-10-10. Review status: criteria provided, single submitter. Criteria: Invitae Variant Classification Sherloc (09022015). Collection method: clinical testing. Allele origin: germline.
Comment: This sequence change replaces aspartic acid, which is acidic and polar, with tyrosine, which is neutral and polar, at codon 450 of the ACTN2 protein (p.Asp450Tyr). This variant is present in population databases (rs774252565, gnomAD 0.002%). This variant has not been reported in the literature in individuals affected with ACTN2-related conditions. ClinVar contains an entry for this variant (Variation ID: 201639). Invitae Evidence Modeling of protein sequence and biophysical properties (such as structural, functional, and spatial information, amino acid conservation, physicochemical variation, residue mobility, and thermodynamic stability) indicates that this missense variant is expected to disrupt ACTN2 protein function with a positive predictive value of 80%. In summary, the available evidence is currently insufficient to determine the role of this variant in disease. Therefore, it has been classified as a Variant of Uncertain Significance.

Ambry Genetics
Classification: Uncertain significance for Cardiovascular phenotype. Last evaluated: 2024-06-28. Review status: criteria provided, single submitter. Criteria: Ambry Variant Classification Scheme 2023. Collection method: clinical testing. Allele origin: germline.

Fulgent Genetics
Classification: Uncertain significance for Dilated cardiomyopathy 1AA; Myopathy, congenital, with structured cores and z-line abnormalities; Myopathy, distal, 6, adult-onset, autosomal dominant. Last evaluated: 2021-08-24. Review status: criteria provided, single submitter. Criteria: ACMG Guidelines, 2015. Collection method: clinical testing. Allele origin: unknown.

GeneDx
Classification: Uncertain significance. Last evaluated: 2013-01-22. Review status: criteria provided, single submitter. Criteria: GeneDx Variant Classification (06012015). Collection method: clinical testing. Allele origin: germline. Affected: yes.
Comment: The Asp450Tyr variant in the ACTN2 gene has not been reported as a disease-causing mutation or as a benign polymorphism to our knowledge. Asp450Tyr results in a semi-conservative amino acid substitution of a negatively charged Aspartic acid with a neutral, polar Tyrosine at a position that is conserved across species. In silico analysis predicts Asp450Tyr is damaging to the protein structure/function. The Asp450Tyr variant was not observed in approximately 6,500 individuals of European and African American ancestry in the NHLBI Exome Sequencing Project, indicating it is not a common benign variant in these populations. Nevertheless, no mutations in nearby codons have been reported in association with cardiomyopathy. The variant is found in DCM panel(s).